The following is an entry in ClinVar:

NM_017875.4(SLC25A38):c.793-3T>C

Gene: SLC25A38 (solute carrier family 25 member 38; plus strand). Cytogenetic location: 3p22.1.
Variant type: single nucleotide variant.
Coding change: c.793-3T>C on transcript NM_017875.4 (MANE Select); 3 bases into the intron before coding-DNA position 793, T replaced by C.
Molecular consequence: intron variant.
Genome position (GRCh38, 1-based): chr3:39,396,395, T>C. VCF-style: chr3-39396395-T-C. GRCh37 (hg19) VCF-style: chr3-39437886-T-C.
Other names: c.626-3T>C (NM_001354798.2).
Identifiers: ClinVar variation 2161272 (VCV002161272.4), dbSNP rs779737305, ClinGen allele CA2327559.

ClinVar aggregate classification (germline): Uncertain significance (1 of 4 stars; one submission).

Allele frequency attached by ClinVar (database versions not stated): gnomAD 0.00002; gnomAD exomes 0.00002; ExAC 0.00001; TOPMed 0.00001.
gnomAD v4.1: 35 of 1,613,958 alleles (0.0022%); highest among the groups gnomAD compares: South Asian, 0.011%; no homozygotes.

Submission:

Labcorp Genetics (formerly Invitae), Labcorp
Classification: Uncertain significance. Last evaluated: 2022-10-17. Review status: criteria provided, single submitter. Criteria: Invitae Variant Classification Sherloc (09022015). Collection method: clinical testing. Allele origin: germline.
Comment: This variant is present in population databases (rs779737305, gnomAD 0.01%). In summary, the available evidence is currently insufficient to determine the role of this variant in disease. Therefore, it has been classified as a Variant of Uncertain Significance. Variants that disrupt the consensus splice site are a relatively common cause of aberrant splicing (PMID: 17576681, 9536098). Algorithms developed to predict the effect of sequence changes on RNA splicing suggest that this variant is not likely to affect RNA splicing. This variant has not been reported in the literature in individuals affected with SLC25A38-related conditions. This sequence change falls in intron 6 of the SLC25A38 gene. It does not directly change the encoded amino acid sequence of the SLC25A38 protein. It affects a nucleotide within the consensus splice site.

Literature cited by the submitters: PubMed 17576681; PubMed 9536098.